The following is an entry in ClinVar:

NM_005996.4(TBX3):c.-895TC[10]

Genes: TBX3 (T-box transcription factor 3; minus strand), TBX3-AS1 (TBX3 antisense RNA 1; plus strand). Cytogenetic location: 12q24.21.
Variant type: Microsatellite.
Coding change: c.-895TC[10] on transcript NM_005996.4 (MANE Select); ten copies in a row of the 2-base unit TC starting at c.-895; the reference has 12 copies in a row; two copies, 4 bases deleted.
Molecular consequence: 5 prime UTR variant.
Genome position (GRCh38, 1-based): chr12:114,684,072-114,684,075, GAGA deleted on the plus strand (TCTC on the coding strand, the reverse complement: TBX3 is on the minus strand); deleting any 4 consecutive bases within chr12:114,684,072-114,684,095 gives the same sequence; the position shown is the placement nearest the transcript's 3' end. VCF-style (leftmost placement, unchanged base first): chr12-114684071-GGAGA-G. GRCh37 (hg19) VCF-style: chr12-115121876-GGAGA-G.
Other names: c.-895TC[10] (NM_016569.4).
Identifiers: ClinVar variation 3043048 (VCV003043048.2), dbSNP rs57078153, ClinGen allele CA683850840.

ClinVar aggregate classification (germline): Likely benign (0 of 4 stars; one submission).

Conditions:
TBX3-related disorder. Also called: TBX3-related condition.

Submission:

PreventionGenetics, part of Exact Sciences
Classification: Likely benign for TBX3-related condition. Last evaluated: 2023-02-07. Review status: no assertion criteria provided. Collection method: clinical testing. Allele origin: germline.
Comment: This variant is classified as likely benign based on ACMG/AMP sequence variant interpretation guidelines (Richards et al. 2015 PMID: 25741868, with internal and published modifications).